The following is an entry in ClinVar:

NM_006642.5(SDCCAG8):c.572C>T (p.Thr191Ile)

Gene: SDCCAG8 (SHH signaling and ciliogenesis regulator SDCCAG8; plus strand). Cytogenetic location: 1q43.
Variant type: single nucleotide variant.
Coding change: c.572C>T on transcript NM_006642.5 (MANE Select); coding-DNA position 572, C replaced by T.
Protein change: p.Thr191Ile; replaces threonine 191 with isoleucine.
Molecular consequence: missense variant. On other transcripts: 5 prime UTR variant (3).
Genome position (GRCh38, 1-based): chr1:243,293,116, C>T. VCF-style: chr1-243293116-C-T. GRCh37 (hg19) VCF-style: chr1-243456418-C-T.
Other names: p.Thr191Ile; c.-541C>T (NM_001350246.2); c.-429C>T (NM_001350247.2); c.572C>T, p.Thr191Ile (NM_001350248.2); c.278C>T, p.Thr93Ile (NM_001350249.2); c.-802C>T (NM_001350251.2); short protein forms T191I, T93I.
Identifiers: ClinVar variation 296908 (VCV000296908.24), dbSNP rs150070966, ClinGen allele CA1483350.

ClinVar aggregate classification (germline): Conflicting classifications of pathogenicity. Review status: criteria provided, conflicting classifications (1 of 4 stars). 8 submissions from 7 submitters: Uncertain significance (4); Likely benign (3). 1 of the submissions does not count toward it. Last evaluated 2026-01-18.

Conditions:
Bardet-Biedl syndrome 16 (BBS16). Identifiers: Orphanet 110, MedGen C3889474, MONDO:0014444, OMIM 615993.
Senior-Loken syndrome 7 (SLSN7). Identifiers: Orphanet 3156, MedGen C3150877, MONDO:0013326, OMIM 613615.
SDCCAG8-related disorder. Also called: SDCCAG8-Related Disorders; SDCCAG8-related condition.

Allele frequency attached by ClinVar (database versions not stated): ExAC 0.00027; gnomAD exomes 0.00029; gnomAD 0.00088 and 0.00094; 1000 Genomes Project 30x 0.00094; 1000 Genomes Project 0.00100; TOPMed 0.00113; ESP Exome Variant Server 0.00115.
gnomAD v4.1: 390 of 1,614,106 alleles (0.024%); highest among the groups gnomAD compares: African/African-American, 0.28%; no homozygotes.

Submissions (8):

GeneDx
Classification: Uncertain significance. Last evaluated: 2026-01-18. Review status: criteria provided, single submitter. Criteria: GeneDx Variant Classification Process June 2021. Collection method: clinical testing. Allele origin: germline. Affected: yes.
Comment: In silico analysis suggests that this missense variant does not alter protein structure/function; Has not been previously published as pathogenic or benign to our knowledge

Labcorp Genetics (formerly Invitae), Labcorp
Classification: Likely benign for Bardet-Biedl syndrome 16; Senior-Loken syndrome 7. Last evaluated: 2026-01-04. Review status: criteria provided, single submitter. Criteria: Invitae Variant Classification Sherloc (09022015). Collection method: clinical testing. Allele origin: germline.

Mayo Clinic Laboratories, Mayo Clinic
Classification: Likely benign. Last evaluated: 2025-01-25. Review status: criteria provided, single submitter. Criteria: ACMG Guidelines, 2015. Collection method: clinical testing. Allele origin: germline. Observed: 2 variant alleles.
Comment: BS1, BP4

Blueprint Genetics
Classification: Likely benign. Last evaluated: 2024-11-11. Review status: criteria provided, single submitter. Criteria: ACMG Guidelines, 2015. Collection method: clinical testing. Allele origin: germline.

Fulgent Genetics
Classification: Uncertain significance for Senior-Loken syndrome 7; Bardet-Biedl syndrome 16. Last evaluated: 2018-10-31. Review status: criteria provided, single submitter. Criteria: ACMG Guidelines, 2015. Collection method: clinical testing. Allele origin: unknown.

Illumina Laboratory Services, Illumina
Classification: Uncertain significance for Bardet-Biedl syndrome 16. Last evaluated: 2018-01-12. Review status: criteria provided, single submitter. Criteria: ICSL Variant Classification Criteria 13 December 2019. Collection method: clinical testing. Allele origin: germline.

Illumina Laboratory Services, Illumina
Classification: Uncertain significance for Senior-Loken syndrome 7. Last evaluated: 2018-01-12. Review status: criteria provided, single submitter. Criteria: ICSL Variant Classification Criteria 13 December 2019. Collection method: clinical testing. Allele origin: germline.

PreventionGenetics, part of Exact Sciences
Classification: Likely benign for SDCCAG8-related condition. Last evaluated: 2023-09-14. Review status: no assertion criteria provided. Collection method: clinical testing. Allele origin: germline. Not counted in ClinVar's aggregate classification.
Comment: This variant is classified as likely benign based on ACMG/AMP sequence variant interpretation guidelines (Richards et al. 2015 PMID: 25741868, with internal and published modifications).